The following is an entry in ClinVar:

NM_000277.3(PAH):c.974A>C (p.Tyr325Ser)

Gene: PAH (phenylalanine hydroxylase; minus strand). Cytogenetic location: 12q23.2.
Variant type: single nucleotide variant.
Coding change: c.974A>C on transcript NM_000277.3 (MANE Select); coding-DNA position 974, A replaced by C.
Protein change: p.Tyr325Ser; replaces tyrosine 325 with serine.
Molecular consequence: missense variant.
Genome position (GRCh38, 1-based): chr12:102,844,427, T>G on the plus strand (A>C on the coding strand, the complement: PAH is on the minus strand). VCF-style: chr12-102844427-T-G. GRCh37 (hg19) VCF-style: chr12-103238205-T-G.
Other names: c.974A>C, p.Tyr325Ser (NM_001354304.2); short protein forms Y325S.
Identifiers: ClinVar variation 5003807 (VCV005003807.1).

ClinVar aggregate classification (germline): Uncertain significance (1 of 4 stars; one submission).

Conditions:
Phenylketonuria (PKU). Also called: FOLLING DISEASE; OLIGOPHRENIA PHENYLPYRUVICA; Phenylketonurias; Phenylketonuria (PKU). Identifiers: Orphanet 716, MedGen C0031485, MONDO:0009861, OMIM 261600. Disease mechanism: loss of function.

Submission:

Myriad Genetics, Inc.
Classification: Uncertain significance for Phenylketonuria. Last evaluated: 2026-05-29. Review status: criteria provided, single submitter. Criteria: Myriad Autosomal Dominant, Autosomal Recessive and X-Linked Classification Criteria (2023). Collection method: clinical testing. Allele origin: unknown.
Comment: NM_000277.1(PAH):c.974A>C(Y325S) is a missense variant classified as a variant of uncertain significance in the context of phenylalanine hydroxylase deficiency. Y325S has not been observed in cases with relevant disease. Relevant functional assessments of this variant are not available in the literature. Y325S has not been observed in referenced population frequency databases. In summary, there is insufficient evidence to classify NM_000277.1(PAH):c.974A>C(Y325S) as pathogenic or benign. Please note: this variant was assessed in the context of healthy population screening.